The following is an entry in ClinVar:

NM_172351.3(CD46):c.464C>T (p.Pro155Leu)

Gene: CD46 (CD46 molecule; plus strand). Cytogenetic location: 1q32.2.
Variant type: single nucleotide variant.
Coding change: c.464C>T on transcript NM_172351.3 (MANE Select); coding-DNA position 464, C replaced by T.
Protein change: p.Pro155Leu; replaces proline 155 with leucine.
Molecular consequence: missense variant.
Genome position (GRCh38, 1-based): chr1:207,759,713, C>T. VCF-style: chr1-207759713-C-T. GRCh37 (hg19) VCF-style: chr1-207933058-C-T.
Other names: c.464C>T, p.Pro155Leu (NM_002389.4, NM_153826.4, NM_172350.3 and 8 more transcripts); short protein forms P155L.
Identifiers: ClinVar variation 4291276 (VCV004291276.1).

ClinVar aggregate classification (germline): Uncertain significance (1 of 4 stars; one submission).

Conditions:
Atypical hemolytic-uremic syndrome. Identifiers: Orphanet 2134, MedGen C2931788, MONDO:0016244.

gnomAD v4.1: 1 of 1,600,172 alleles (0.000062%); highest among the groups gnomAD compares: Non-Finnish European, 0.000086%; no homozygotes.

Submission:

Genomenon, Inc
Classification: Uncertain significance for Atypical hemolytic-uremic syndrome. Last evaluated: 2025-10-02. Review status: criteria provided, single submitter. Criteria: Genomenon Sequence Variant Interpretation Standards. Collection method: curation. Allele origin: germline. Affected: yes.
Comment: CD46 p.Pro155Leu (c.464C>T) is a missense variant that changes the amino acid at residue 155 from Proline to Leucine. This variant has been observed in at least one proband affected with atypical hemolytic-uremic syndrome (PMID:29693967). It is absent or not present at a significant frequency in gnomAD. In conclusion, we classify CD46 p.Pro155Leu (c.464C>T) as a variant of uncertain significance.

Literature cited by the submitters: PubMed 29693967.